The following is an entry in ClinVar:

NM_002299.4(LCT):c.319G>A (p.Glu107Lys)

Gene: LCT (lactase; minus strand). Cytogenetic location: 2q21.3.
Variant type: single nucleotide variant.
Coding change: c.319G>A on transcript NM_002299.4 (MANE Select); coding-DNA position 319, G replaced by A.
Protein change: p.Glu107Lys; replaces glutamic acid 107 with lysine.
Molecular consequence: missense variant.
Genome position (GRCh38, 1-based): chr2:135,836,851, C>T on the plus strand (G>A on the coding strand, the complement: LCT is on the minus strand). VCF-style: chr2-135836851-C-T. GRCh37 (hg19) VCF-style: chr2-136594421-C-T.
Other names: c.319G>A (LRG_338t1); short protein forms E107K.
Identifiers: ClinVar variation 331212 (VCV000331212.9), dbSNP rs761296720, ClinGen allele CA1888663.

ClinVar aggregate classification (germline): Uncertain significance (1 of 4 stars; one submission).

Allele frequency attached by ClinVar (database versions not stated): ExAC 0.00001; gnomAD 0.00001; TOPMed 0.00001.
gnomAD v4.1: 9 of 1,614,038 alleles (0.00056%); highest among the groups gnomAD compares: South Asian, 0.0011%; no homozygotes.

Submission:

Labcorp Genetics (formerly Invitae), Labcorp
Classification: Uncertain significance. Last evaluated: 2022-06-25. Review status: criteria provided, single submitter. Criteria: Invitae Variant Classification Sherloc (09022015). Collection method: clinical testing. Allele origin: germline.
Comment: This variant is present in population databases (rs761296720, gnomAD 0.006%). This variant has not been reported in the literature in individuals affected with LCT-related conditions. ClinVar contains an entry for this variant (Variation ID: 331212). Algorithms developed to predict the effect of missense changes on protein structure and function output the following: SIFT: "Not Available"; PolyPhen-2: "Benign"; Align-GVGD: "Not Available". The lysine amino acid residue is found in multiple mammalian species, which suggests that this missense change does not adversely affect protein function. In summary, the available evidence is currently insufficient to determine the role of this variant in disease. Therefore, it has been classified as a Variant of Uncertain Significance. This sequence change replaces glutamic acid, which is acidic and polar, with lysine, which is basic and polar, at codon 107 of the LCT protein (p.Glu107Lys).